The following is an entry in ClinVar:

NM_002662.5(PLD1):c.1078G>T (p.Gly360Ter)

Gene: PLD1 (phospholipase D1; minus strand). Cytogenetic location: 3q26.31.
Variant type: single nucleotide variant.
Coding change: c.1078G>T on transcript NM_002662.5 (MANE Select); coding-DNA position 1078, G replaced by T.
Protein change: p.Gly360Ter; replaces glycine 360 with a stop codon.
Molecular consequence: nonsense.
Genome position (GRCh38, 1-based): chr3:171,708,822, C>A on the plus strand (G>T on the coding strand, the complement: PLD1 is on the minus strand). VCF-style: chr3-171708822-C-A. GRCh37 (hg19) VCF-style: chr3-171426612-C-A.
Other names: c.1078G>T, p.Gly360Ter (NM_001130081.3); short protein forms G360*.
Identifiers: ClinVar variation 5006587 (VCV005006587.2).

ClinVar aggregate classification (germline): Likely pathogenic (1 of 4 stars; one submission).

Conditions:
Cardiac valvular defect, developmental (CVDP1). Also called: CARDIAC VALVULAR DYSPLASIA 1. Identifiers: MedGen C5774175, MONDO:0008913, OMIM 212093.

Submission:

Juno Genomics, Hangzhou Juno Genomics, Inc
Classification: Likely pathogenic for Cardiac valvular defect, developmental. Review status: criteria provided, single submitter. Criteria: ACMG Guidelines, 2015. Collection method: clinical testing. Allele origin: germline.
Comment: Null variant in a gene where loss of function (LOF) is a known mechanism of disease.;Absent from controls (or at extremely low frequency if recessive) in Genome Aggregation Database.